The following is an entry in ClinVar:

ClinVar aggregate classification (germline): Uncertain significance (1 of 4 stars; one submission).

Submission:

Ambry Genetics
Classification: Uncertain significance. Last evaluated: 2022-04-29. Review status: criteria provided, single submitter. Criteria: Ambry Variant Classification Scheme 2023. Collection method: clinical testing. Allele origin: germline.
Comment: The p.C2061G variant (also known as c.6181T>G), located in coding exon 10 of the ALPK2 gene, results from a T to G substitution at nucleotide position 6181. The cysteine at codon 2061 is replaced by glycine, an amino acid with highly dissimilar properties. This amino acid position is conserved. In addition, the in silico prediction for this alteration is inconclusive. Since supporting evidence is limited at this time, the clinical significance of this alteration remains unclear.

NM_052947.4(ALPK2):c.6181T>G (p.Cys2061Gly)

Gene: ALPK2 (alpha kinase 2; minus strand). Cytogenetic location: 18q21.31.
Variant type: single nucleotide variant.
Coding change: c.6181T>G on transcript NM_052947.4 (MANE Select); coding-DNA position 6181, T replaced by G.
Protein change: p.Cys2061Gly; replaces cysteine 2061 with glycine.
Molecular consequence: missense variant.
Genome position (GRCh38, 1-based): chr18:58,503,997, A>C on the plus strand (T>G on the coding strand, the complement: ALPK2 is on the minus strand). VCF-style: chr18-58503997-A-C. GRCh37 (hg19) VCF-style: chr18-56171229-A-C.
Other names: short protein forms C2061G.
Identifiers: ClinVar variation 1752073 (VCV001752073.2), dbSNP rs2518854936, ClinGen allele CA402543451.